The following is an entry in ClinVar:

ClinVar aggregate classification (germline): Benign/Likely benign. Review status: criteria provided, multiple submitters, no conflicts (2 of 4 stars). 7 submissions from 7 submitters: Benign (1); Likely benign (6). Last evaluated 2026-04-16.

Conditions:
DICER1-related disorder. Also called: DICER1-related condition.
Hereditary cancer-predisposing syndrome. Also called: Neoplastic Syndromes, Hereditary; Hereditary Cancer Syndrome; Tumor predisposition; Hereditary neoplastic syndrome. Identifiers: Orphanet 140162, MedGen C0027672, MeSH D009386, MONDO:0015356.
DICER1-related tumor predisposition. Also called: DICER1 syndrome; DICER1-related pleuropulmonary blastoma cancer predisposition syndrome. Identifiers: Orphanet 284343, MedGen C3839822, MONDO:0100216.
Pleuropulmonary blastoma (PPB). Identifiers: Orphanet 64742, MedGen C1266144, MONDO:0011014, OMIM 601200, HP:0100528.

Allele frequency attached by ClinVar (database versions not stated): gnomAD 0.00001; gnomAD exomes 0.00002 and 0.00005; TOPMed 0.00003; ExAC 0.00008; ESP Exome Variant Server 0.00008.
gnomAD v4.1: 27 of 1,613,520 alleles (0.0017%); highest among the groups gnomAD compares: South Asian, 0.0088%; no homozygotes.

Submissions (7):

Myriad Genetics, Inc.
Classification: Benign for DICER1-related tumor predisposition. Last evaluated: 2026-04-16. Review status: criteria provided, single submitter. Criteria: Myriad Autosomal Dominant, Autosomal Recessive and X-Linked Classification Criteria (2023). Collection method: clinical testing. Allele origin: unknown.
Comment: This variant is considered benign. This variant is a silent/synonymous amino acid change and it is not expected to impact splicing.

Labcorp Genetics (formerly Invitae), Labcorp
Classification: Likely benign for DICER1-related tumor predisposition. Last evaluated: 2026-01-07. Review status: criteria provided, single submitter. Criteria: Invitae Variant Classification Sherloc (09022015). Collection method: clinical testing. Allele origin: germline.

PreventionGenetics, part of Exact Sciences
Classification: Likely benign for DICER1-related condition. Last evaluated: 2025-08-20. Review status: criteria provided, single submitter. Criteria: ACMG Guidelines, 2015. Collection method: clinical testing. Allele origin: germline.
Comment: This variant is classified as likely benign based on ACMG/AMP sequence variant interpretation guidelines (Richards et al. 2015 PMID: 25741868, with internal and published modifications).

Hereditary Cancer Group, L’Institut d'Investigació Biomèdica de Bellvitge
Classification: Likely benign for Hereditary cancer-predisposing syndrome. Last evaluated: 2024-12-19. Review status: criteria provided, single submitter. Criteria: Hatton et al. (Hum Mutat. 2023). Collection method: clinical testing. Allele origin: germline. Inheritance: Autosomal dominant inheritance. Affected: yes.
Comment: BP4, BP7

KCCC/NGS Laboratory, Kuwait Cancer Control Center
Classification: Likely benign for Pleuropulmonary blastoma. Last evaluated: 2023-07-07. Review status: criteria provided, single submitter. Criteria: ACMG Guidelines, 2015. Collection method: clinical testing. Allele origin: germline. Affected: yes.

Sema4
Classification: Likely benign for Hereditary cancer-predisposing syndrome. Last evaluated: 2021-10-15. Review status: criteria provided, single submitter. Criteria: Sema4 Curation Guidelines. Collection method: curation. Allele origin: germline.

Ambry Genetics
Classification: Likely benign for Hereditary cancer-predisposing syndrome. Last evaluated: 2017-05-16. Review status: criteria provided, single submitter. Criteria: Ambry Variant Classification Scheme 2023. Collection method: clinical testing. Allele origin: germline.

NM_177438.3(DICER1):c.2718C>T (p.Arg906=)

Gene: DICER1 (dicer 1, ribonuclease III; minus strand). Cytogenetic location: 14q32.13.
Variant type: single nucleotide variant.
Coding change: c.2718C>T on transcript NM_177438.3 (MANE Select); coding-DNA position 2718, C replaced by T.
Protein change: p.Arg906=; no amino-acid change (arginine 906 retained).
Molecular consequence: synonymous variant.
Genome position (GRCh38, 1-based): chr14:95,107,694, G>A on the plus strand (C>T on the coding strand, the complement: DICER1 is on the minus strand). VCF-style: chr14-95107694-G-A. GRCh37 (hg19) VCF-style: chr14-95574031-G-A.
Other names: c.2718C>T, p.Arg906= (NM_001195573.1, NM_001271282.3, NM_001291628.2 and 1 more transcripts).
Identifiers: ClinVar variation 477116 (VCV000477116.20), dbSNP rs370692165, ClinGen allele CA7331189.
Genomic context (GRCh38, chr14:95,107,694, plus strand): 5'-ATCTTCTAATTTAAAAACAAAGGGTGTTTCTTTTGTATACTTTGTACTGGGAATGCCTAT[G>A]CGAGCTTCAGACTTCTCAATATCTTCCATGAATTTAAAGTCAATATCCAAAGTGCTGGAG-3'
Protein context (NP_803187.1, residues 896-916): FMEDIEKSEA[Arg906=]IGIPSTKYTK